The following is an entry in ClinVar:

ClinVar aggregate classification (germline): Uncertain significance (1 of 4 stars; one submission).

Conditions:
Inborn genetic diseases. Identifiers: MedGen C0950123, MeSH D030342.

Submission:

Ambry Genetics
Classification: Uncertain significance for Inborn genetic diseases. Last evaluated: 2024-05-29. Review status: criteria provided, single submitter. Criteria: Ambry Variant Classification Scheme 2023. Collection method: clinical testing. Allele origin: germline.
Comment: The p.V292F variant (also known as c.874G>T), located in coding exon 7 of the BUB1B gene, results from a G to T substitution at nucleotide position 874. The valine at codon 292 is replaced by phenylalanine, an amino acid with highly similar properties. This amino acid position is conserved. In addition, this alteration is predicted to be tolerated by in silico analysis. Based on the available evidence, the clinical significance of this variant remains unclear.

NM_001211.6(BUB1B):c.874G>T (p.Val292Phe)

Gene: BUB1B (BUB1 mitotic checkpoint serine/threonine kinase B; plus strand). Cytogenetic location: 15q15.1.
Variant type: single nucleotide variant.
Coding change: c.874G>T on transcript NM_001211.6 (MANE Select); coding-DNA position 874, G replaced by T.
Protein change: p.Val292Phe; replaces valine 292 with phenylalanine.
Molecular consequence: missense variant.
Genome position (GRCh38, 1-based): chr15:40,185,287, G>T. VCF-style: chr15-40185287-G-T. GRCh37 (hg19) VCF-style: chr15-40477488-G-T.
Other names: short protein forms V292F.
Identifiers: ClinVar variation 3262270 (VCV003262270.1).
Genomic context (GRCh38, chr15:40,185,287, plus strand): 5'-ATTACTGTTTTTGATGAAAATGCTGATGAGGCTTCTACAGCAGAGTTGTCTAAGCCTACA[G>T]TCCAGCCATGGATAGCACCCCCCATGCCCAGGGCCAAAGAGAATGAGCTGCAAGCAGGCC-3'
Protein context (NP_001202.5, residues 282-302): ASTAELSKPT[Val292Phe]QPWIAPPMPR